The following is an entry in ClinVar:

ClinVar aggregate classification (germline): Uncertain significance. Review status: criteria provided, multiple submitters, no conflicts (2 of 4 stars). 3 submissions from 3 submitters: Uncertain significance (3). Last evaluated 2024-04-25.

Conditions:
Dilated cardiomyopathy 1HH (CMD1HH). Identifiers: Orphanet 154, MedGen C3151293, MONDO:0013479, OMIM 613881.
Myofibrillar myopathy 6. Identifiers: Orphanet 199340, MedGen C2751831, MONDO:0013061, OMIM 612954.

Allele frequency attached by ClinVar (database versions not stated): TOPMed below 0.00001.

Submissions (3):

Labcorp Genetics (formerly Invitae), Labcorp
Classification: Uncertain significance for Dilated cardiomyopathy 1HH; Myofibrillar myopathy 6. Last evaluated: 2024-04-25. Review status: criteria provided, single submitter. Criteria: Invitae Variant Classification Sherloc (09022015). Collection method: clinical testing. Allele origin: germline.
Comment: This sequence change replaces arginine, which is basic and polar, with serine, which is neutral and polar, at codon 19 of the BAG3 protein (p.Arg19Ser). This variant is not present in population databases (gnomAD no frequency). This variant has not been reported in the literature in individuals affected with BAG3-related conditions. ClinVar contains an entry for this variant (Variation ID: 162768). An algorithm developed to predict the effect of missense changes on protein structure and function (PolyPhen-2) suggests that this variant is likely to be disruptive. In summary, the available evidence is currently insufficient to determine the role of this variant in disease. Therefore, it has been classified as a Variant of Uncertain Significance.

Phosphorus, Inc.
Classification: Uncertain significance. Last evaluated: 2022-01-15. Review status: criteria provided, single submitter. Criteria: ACMG Guidelines, 2015. Collection method: clinical testing. Allele origin: germline. Inheritance: Autosomal dominant inheritance.
Comment: This missense variant results in an amino acid substitution of arginine with serine at codon 19 of the BAG3 gene. The variant has an entry in ClinVar (162768) NM_004281.4 (BAG3): c.55C>A (p.Arg19Ser) and has not occurred in population databases. This position is not conserved. In silico functional algorithms agreed, with PolyPhen calling it benign, and SIFT tolerated, but no functional studies were performed to confirm these predictions. The variant has not occurred in literature associated with disease. Considering that this is a rare variant, whose impact on the protein and association with disease are unknown, it has been classified as a Variant of Uncertain Significance.

Laboratory for Molecular Medicine, Mass General Brigham Personalized Medicine
Classification: Uncertain significance. Last evaluated: 2013-12-26. Review status: criteria provided, single submitter. Criteria: LMM Criteria. Collection method: clinical testing. Allele origin: germline. Observed: 1 variant allele.
Comment: The Arg19Ser variant in BAG3 has not been reported in individuals with cardiomyo pathy and data from large population studies is insufficient to assess the frequ ency of this variant. Computational analyses (biochemical amino acid properties, conservation, AlignGVGD, PolyPhen2, and SIFT) suggest that the Arg19Ser variant may not impact the protein, though this information is not predictive enough to rule out pathogenicity. Additional information is needed to fully assess the cl inical significance of the Arg19Ser variant.

NM_004281.4(BAG3):c.55C>A (p.Arg19Ser)

Gene: BAG3 (BAG cochaperone 3; plus strand). Cytogenetic location: 10q26.11.
Variant type: single nucleotide variant.
Coding change: c.55C>A on transcript NM_004281.4 (MANE Select); coding-DNA position 55, C replaced by A.
Protein change: p.Arg19Ser; replaces arginine 19 with serine.
Molecular consequence: missense variant.
Genome position (GRCh38, 1-based): chr10:119,651,730, C>A. VCF-style: chr10-119651730-C-A. GRCh37 (hg19) VCF-style: chr10-121411242-C-A.
Other names: short protein forms R19S.
Identifiers: ClinVar variation 162768 (VCV000162768.7), dbSNP rs727502896, ClinGen allele CA175279.